The following is an entry in ClinVar:

ClinVar aggregate classification (germline): Conflicting classifications of pathogenicity. Review status: criteria provided, conflicting classifications (1 of 4 stars). 3 submissions from 3 submitters: Uncertain significance (2); Likely benign (1). Last evaluated 2025-08-05.

Conditions:
Cardiovascular phenotype. Identifiers: MedGen CN230736.
Hypercholesterolemia, autosomal dominant, type B (FHCL2). Also called: Familial Hypercholesterolemia Type B; APOLIPOPROTEIN B-100, FAMILIAL DEFECTIVE; APOLIPOPROTEIN B-100, FAMILIAL LIGAND-DEFECTIVE; HYPERCHOLESTEROLEMIA, FAMILIAL, DUE TO LIGAND-DEFECTIVE APOLIPOPROTEIN B; Familial hypercholesterolemia 2; APOB-Related Familial Hypercholesterolemia, Autosomal Dominant. Identifiers: MedGen C1704417, MONDO:0007751, OMIM 144010.
Familial hypobetalipoproteinemia 1. Also called: APOB-Related Familial Hypobetalipoproteinemia; Hypobetalipoproteinemia, normotriglyceridemic; Acanthocytosis with hypobetalipoproteinemia. Identifiers: MedGen C4551990, MONDO:0014252, OMIM 615558.

Allele frequency attached by ClinVar (database versions not stated): gnomAD 0.00001; TOPMed 0.00001; ExAC 0.00002.
gnomAD v4.1: 8 of 1,614,122 alleles (0.0005%); highest among the groups gnomAD compares: Non-Finnish European, 0.00051%; no homozygotes.

Submissions (3):

GeneDx
Classification: Uncertain significance. Last evaluated: 2025-08-05. Review status: criteria provided, single submitter. Criteria: GeneDx Variant Classification Process June 2021. Collection method: clinical testing. Allele origin: germline. Affected: yes.
Comment: Not observed at significant frequency in large population cohorts (gnomAD); In silico analysis supports that this missense variant has a deleterious effect on protein structure/function; Has not been previously published as pathogenic or benign to our knowledge

Labcorp Genetics (formerly Invitae), Labcorp
Classification: Likely benign for Familial hypobetalipoproteinemia 1; Hypercholesterolemia, autosomal dominant, type B. Last evaluated: 2024-08-14. Review status: criteria provided, single submitter. Criteria: Invitae Variant Classification Sherloc (09022015). Collection method: clinical testing. Allele origin: germline.

Ambry Genetics
Classification: Uncertain significance for Cardiovascular phenotype. Last evaluated: 2023-11-09. Review status: criteria provided, single submitter. Criteria: Ambry Variant Classification Scheme 2023. Collection method: clinical testing. Allele origin: germline.
Comment: The p.S767Y variant (also known as c.2300C>A), located in coding exon 16 of the APOB gene, results from a C to A substitution at nucleotide position 2300. The serine at codon 767 is replaced by tyrosine, an amino acid with dissimilar properties. This amino acid position is conserved. In addition, this alteration is predicted to be tolerated by in silico analysis. Since supporting evidence is limited at this time, the clinical significance of this alteration remains unclear.

NM_000384.3(APOB):c.2300C>A (p.Ser767Tyr)

Gene: APOB (apolipoprotein B; minus strand). Cytogenetic location: 2p24.1.
Variant type: single nucleotide variant.
Coding change: c.2300C>A on transcript NM_000384.3 (MANE Select); coding-DNA position 2300, C replaced by A.
Protein change: p.Ser767Tyr; replaces serine 767 with tyrosine.
Molecular consequence: missense variant.
Genome position (GRCh38, 1-based): chr2:21,025,069, G>T on the plus strand (C>A on the coding strand, the complement: APOB is on the minus strand). VCF-style: chr2-21025069-G-T. GRCh37 (hg19) VCF-style: chr2-21247941-G-T.
Other names: short protein forms S767Y.
Identifiers: ClinVar variation 3231385 (VCV003231385.4), dbSNP rs147287202, ClinGen allele CA055818.